The following is an entry in ClinVar:

ClinVar aggregate classification (germline): Likely benign (1 of 4 stars; one submission).

gnomAD v4.1: 46 of 133,904 alleles (0.034%); highest among the groups gnomAD compares: South Asian, 0.78%; 8 homozygotes.

Submission:

CeGaT Center for Human Genetics Tuebingen
Classification: Likely benign. Last evaluated: 2026-06-01. Review status: criteria provided, single submitter. Criteria: CeGaT Center For Human Genetics Tuebingen Variant Classification Criteria Version 2. Collection method: clinical testing. Allele origin: germline. Affected: yes. Observed: 1 variant allele.
Comment: ENSG00000289697: BS2

NM_021023.6(CFHR3):c.797-710G>A

Gene: CFHR3 (complement factor H related 3; plus strand). Cytogenetic location: 1q31.3.
Variant type: single nucleotide variant.
Coding change: c.797-710G>A on transcript NM_021023.6 (MANE Select); 710 bases into the intron before coding-DNA position 797, G replaced by A.
Molecular consequence: intron variant.
Genome position (GRCh38, 1-based): chr1:196,792,607, G>A. VCF-style: chr1-196792607-G-A. GRCh37 (hg19) VCF-style: chr1-196761737-G-A.
Other names: c.614-710G>A (NM_001166624.2).
Identifiers: ClinVar variation 5038463 (VCV005038463.1).